The following is an entry in ClinVar:

ClinVar aggregate classification (germline): Pathogenic (1 of 4 stars; one submission).

Conditions:
Familial thoracic aortic aneurysm and aortic dissection (TAAD). Also called: Thoracic aortic aneurysms and dissections. Identifiers: Orphanet 91387, MedGen C4707243, MONDO:0019625.

Submission:

Labcorp Genetics (formerly Invitae), Labcorp
Classification: Pathogenic for Familial thoracic aortic aneurysm and aortic dissection. Last evaluated: 2025-01-27. Review status: criteria provided, single submitter. Criteria: Invitae Variant Classification Sherloc (09022015). Collection method: clinical testing. Allele origin: germline.
Comment: This sequence change affects an acceptor splice site in intron 1 of the SMAD3 gene. It is expected to disrupt RNA splicing. Variants that disrupt the donor or acceptor splice site typically lead to a loss of protein function (PMID: 16199547), and loss-of-function variants in SMAD3 are known to be pathogenic (PMID: 21778426, 24804794). This variant is not present in population databases (gnomAD no frequency). Disruption of this splice site has been observed in individuals with clinical features of SMAD3-related conditions (internal data). ClinVar contains an entry for this variant (Variation ID: 950184). Algorithms developed to predict the effect of sequence changes on RNA splicing suggest that this variant may disrupt the consensus splice site. For these reasons, this variant has been classified as Pathogenic.

Literature cited by the submitters: PubMed 16199547; PubMed 21778426; PubMed 24804794.

NM_005902.4(SMAD3):c.207-1G>C

Gene: SMAD3 (SMAD family member 3; plus strand). Cytogenetic location: 15q22.33.
Variant type: single nucleotide variant.
Coding change: c.207-1G>C on transcript NM_005902.4 (MANE Select); the canonical splice acceptor site of the intron before coding-DNA position 207, G replaced by C.
Molecular consequence: splice acceptor variant.
Genome position (GRCh38, 1-based): chr15:67,164,894, G>C. VCF-style: chr15-67164894-G-C. GRCh37 (hg19) VCF-style: chr15-67457232-G-C.
Other names: c.207-1G>C (NM_001407011.1, NM_001407013.1, NM_001407012.1); c.60-1G>C (NM_001407014.1); c.-109-1G>C (NM_001145102.2, NM_001407015.1, NM_001407016.1); c.75-1G>C (NM_001145103.2).
Identifiers: ClinVar variation 950184 (VCV000950184.8), dbSNP rs1962532975, ClinGen allele CA392953410.